The following is an entry in ClinVar:

ClinVar aggregate classification (germline): Benign. Review status: criteria provided, multiple submitters, no conflicts (2 of 4 stars). 3 submissions from 3 submitters: Benign (2). 1 of the submissions does not count toward it. Last evaluated 2019-12-31.

Allele frequency attached by ClinVar (database versions not stated): gnomAD exomes 0.00257 and 0.00684; ExAC 0.00828; 1000 Genomes Project 0.02376; 1000 Genomes Project 30x 0.02561; gnomAD 0.02627 and 0.02840; TOPMed 0.02982; ESP Exome Variant Server 0.03045.
gnomAD v4.1: 7,950 of 1,608,334 alleles (0.49%); highest among the groups gnomAD compares: African/African-American, 8.9%; 296 homozygotes.

Submissions (3):

Labcorp Genetics (formerly Invitae), Labcorp
Classification: Benign. Last evaluated: 2019-12-31. Review status: criteria provided, single submitter. Criteria: Invitae Variant Classification Sherloc (09022015). Collection method: clinical testing. Allele origin: germline.

Breakthrough Genomics
Classification: Benign. Review status: criteria provided, single submitter. Criteria: ACMG Guidelines, 2015. Collection method: not provided. Allele origin: germline. Inheritance: Autosomal recessive inheritance. Affected: yes.

Genetic Services Laboratory, University of Chicago
Classification: Likely benign for AllHighlyPenetrant. Review status: no assertion criteria provided. Collection method: clinical testing. Allele origin: germline. Inheritance: Autosomal recessive inheritance. Not counted in ClinVar's aggregate classification.
Comment: Likely benign based on allele frequency in 1000 Genomes Project or ESP global frequency and its presence in a patient with a rare or unrelated disease phenotype. NOT Sanger confirmed.

NM_133444.3(ZNF526):c.1662C>T (p.Val554=)

Gene: ZNF526 (zinc finger protein 526; plus strand). Cytogenetic location: 19q13.2.
Variant type: single nucleotide variant.
Coding change: c.1662C>T on transcript NM_133444.3 (MANE Select); coding-DNA position 1662, C replaced by T.
Protein change: p.Val554=; no amino-acid change (valine 554 retained).
Molecular consequence: synonymous variant.
Genome position (GRCh38, 1-based): chr19:42,226,065, C>T. VCF-style: chr19-42226065-C-T. GRCh37 (hg19) VCF-style: chr19-42730217-C-T.
Other names: c.1662C>T, p.Val554= (NM_001314033.3).
Identifiers: ClinVar variation 130836 (VCV000130836.11), dbSNP rs111722832, ClinGen allele CA156145.